The following is an entry in ClinVar:

NM_144596.4(TTC8):c.1225-5T>C

Gene: TTC8 (tetratricopeptide repeat domain 8; plus strand). Cytogenetic location: 14q31.3.
Variant type: single nucleotide variant.
Coding change: c.1225-5T>C on transcript NM_144596.4 (MANE Select); 5 bases into the intron before coding-DNA position 1225, T replaced by C.
Molecular consequence: intron variant.
Genome position (GRCh38, 1-based): chr14:88,872,325, T>C. VCF-style: chr14-88872325-T-C. GRCh37 (hg19) VCF-style: chr14-89338669-T-C.
Other names: c.631-5T>C (NM_001288782.1); c.1273-5T>C (NM_001288781.1); c.1195-5T>C (NM_198309.3, NM_001366535.2); c.508-5T>C (NM_001288783.1); c.1105-5T>C (NM_198310.3, NM_001366536.2).
Identifiers: ClinVar variation 4990865 (VCV004990865.1).
Genomic context (GRCh38, chr14:88,872,325, plus strand): 5'-ATGAGGAAAGAAGGGAGGAGGAAGTAAACGGACCCATGGGTGTGAACATAGGCTTTCTTT[T>C]GTAGGGAATAGGAGATACAAATTTGGCCCATCAGTGCTTCAGGCTGGCTCTGGTCAACAA-3'

ClinVar aggregate classification (germline): Likely benign (1 of 4 stars; one submission).

Conditions:
TTC8-related disorder. Also called: TTC8-related condition.

gnomAD v4.1: 6 of 1,613,644 alleles (0.00037%); highest among the groups gnomAD compares: Admixed American, 0.0067%; no homozygotes.

Submission:

PreventionGenetics, part of Exact Sciences
Classification: Likely benign for TTC8-related condition. Last evaluated: 2026-07-17. Review status: criteria provided, single submitter. Criteria: ACMG Guidelines, 2015. Collection method: clinical testing. Allele origin: germline.
Comment: This variant is classified as likely benign based on ACMG/AMP sequence variant interpretation guidelines (Richards et al. 2015 PMID: 25741868, with internal and published modifications).